The following is an entry in ClinVar:

ClinVar aggregate classification (germline): Uncertain significance. Review status: criteria provided, multiple submitters, no conflicts (2 of 4 stars). 2 submissions from 2 submitters: Uncertain significance (2). Last evaluated 2025-01-31.

Allele frequency attached by ClinVar (database versions not stated): TOPMed below 0.00001; gnomAD 0.00001.
gnomAD v4.1: 7 of 1,546,986 alleles (0.00045%); highest among the groups gnomAD compares: South Asian, 0.0024%; no homozygotes.

Submissions (2):

Women's Health and Genetics/Laboratory Corporation of America, LabCorp
Classification: Uncertain significance. Last evaluated: 2025-01-31. Review status: criteria provided, single submitter. Criteria: LabCorp Variant Classification Summary - May 2015. Collection method: clinical testing. Allele origin: germline.
Comment: Variant summary: ZNF469 c.1946C>T (p.Pro649Leu) results in a non-conservative amino acid change in the encoded protein sequence. Two of four in-silico tools predict a benign effect of the variant on protein function. The variant allele was found at a frequency of 6.8e-06 in 147538 control chromosomes. The available data on variant occurrences in the general population are insufficient to allow any conclusion about variant significance. To our knowledge, no occurrence of c.1946C>T in individuals affected with Brittle cornea syndrome 1 and no experimental evidence demonstrating its impact on protein function have been reported. ClinVar contains an entry for this variant (Variation ID: 2822854). Based on the evidence outlined above, the variant was classified as uncertain significance.

Labcorp Genetics (formerly Invitae), Labcorp
Classification: Uncertain significance. Last evaluated: 2023-02-14. Review status: criteria provided, single submitter. Criteria: Invitae Variant Classification Sherloc (09022015). Collection method: clinical testing. Allele origin: germline.
Comment: This variant has not been reported in the literature in individuals affected with ZNF469-related conditions. This sequence change replaces proline, which is neutral and non-polar, with leucine, which is neutral and non-polar, at codon 649 of the ZNF469 protein (p.Pro649Leu). This variant is present in population databases (no rsID available, gnomAD 0.004%). Algorithms developed to predict the effect of missense changes on protein structure and function output the following: SIFT: "Not Available"; PolyPhen-2: "Probably Damaging"; Align-GVGD: "Not Available". The leucine amino acid residue is found in multiple mammalian species, which suggests that this missense change does not adversely affect protein function. In summary, the available evidence is currently insufficient to determine the role of this variant in disease. Therefore, it has been classified as a Variant of Uncertain Significance.

NM_001367624.2(ZNF469):c.1946C>T (p.Pro649Leu)

Gene: ZNF469 (zinc finger protein 469; plus strand). Cytogenetic location: 16q24.2.
Variant type: single nucleotide variant.
Coding change: c.1946C>T on transcript NM_001367624.2 (MANE Select); coding-DNA position 1946, C replaced by T.
Protein change: p.Pro649Leu; replaces proline 649 with leucine.
Molecular consequence: missense variant.
Genome position (GRCh38, 1-based): chr16:88,429,416, C>T. VCF-style: chr16-88429416-C-T. GRCh37 (hg19) VCF-style: chr16-88495824-C-T.
Other names: short protein forms P649L.
Identifiers: ClinVar variation 2822854 (VCV002822854.5), dbSNP rs1283739533, ClinGen allele CA397069295.